The following is an entry in ClinVar:

ClinVar aggregate classification (germline): Uncertain significance (1 of 4 stars; one submission).

Conditions:
Naxos disease (NXD). Also called: KERATOSIS PALMOPLANTARIS WITH ARRHYTHMOGENIC CARDIOMYOPATHY; MAL DE NAXOS; PALMOPLANTAR KERATODERMA WITH ARRHYTHMOGENIC RIGHT VENTRICULAR CARDIOMYOPATHY AND WOOLLY HAIR; WOOLLY HAIR, PALMOPLANTAR KERATODERMA, AND CARDIAC ABNORMALITIES; CARDIOMYOPATHY, ARRHYTHMOGENIC RIGHT VENTRICULAR, WITH SKIN, HAIR, AND NAIL ABNORMALITIES. Identifiers: Orphanet 34217, MedGen C1832600, MONDO:0011017, OMIM 601214.
Arrhythmogenic right ventricular dysplasia 12. Also called: ARRHYTHMOGENIC RIGHT VENTRICULAR DYSPLASIA, FAMILIAL, 12. Identifiers: MedGen C1969081, MONDO:0012684, OMIM 611528.

Submission:

Labcorp Genetics (formerly Invitae), Labcorp
Classification: Uncertain significance for Arrhythmogenic right ventricular dysplasia 12; Naxos disease. Last evaluated: 2024-12-23. Review status: criteria provided, single submitter. Criteria: Invitae Variant Classification Sherloc (09022015). Collection method: clinical testing. Allele origin: germline.
Comment: This sequence change replaces leucine, which is neutral and non-polar, with proline, which is neutral and non-polar, at codon 253 of the JUP protein (p.Leu253Pro). This variant is not present in population databases (gnomAD no frequency). This variant has not been reported in the literature in individuals affected with JUP-related conditions. An algorithm developed to predict the effect of missense changes on protein structure and function (PolyPhen-2) suggests that this variant is likely to be disruptive. In summary, the available evidence is currently insufficient to determine the role of this variant in disease. Therefore, it has been classified as a Variant of Uncertain Significance.

NM_002230.4(JUP):c.758T>C (p.Leu253Pro)

Gene: JUP (junction plakoglobin; minus strand). Cytogenetic location: 17q21.2.
Variant type: single nucleotide variant.
Coding change: c.758T>C on transcript NM_002230.4 (MANE Select); coding-DNA position 758, T replaced by C.
Protein change: p.Leu253Pro; replaces leucine 253 with proline.
Molecular consequence: missense variant.
Genome position (GRCh38, 1-based): chr17:41,767,530, A>G on the plus strand (T>C on the coding strand, the complement: JUP is on the minus strand). VCF-style: chr17-41767530-A-G. GRCh37 (hg19) VCF-style: chr17-39923782-A-G.
Other names: c.758T>C, p.Leu253Pro (NM_001352773.2, NM_001352774.2, NM_001352775.2 and 3 more transcripts); short protein forms L253P.
Identifiers: ClinVar variation 3749166 (VCV003749166.2).